The following is an entry in ClinVar:

ClinVar aggregate classification (germline): Pathogenic (1 of 4 stars; one submission).

Conditions:
Ataxia-telangiectasia syndrome (AT). Also called: ATAXIA-TELANGIECTASIA, COMPLEMENTATION GROUP A; ATAXIA-TELANGIECTASIA, FRESNO VARIANT; Ataxia-telangiectasia, complementation group E; Ataxia telangiectasia (A-T); LOUIS-BAR SYNDROME; Cerebello-oculocutaneous telangiectasia. Identifiers: Orphanet 100, MedGen C0004135, MONDO:0008840, OMIM 208900.

Submission:

Labcorp Genetics (formerly Invitae), Labcorp
Classification: Pathogenic for Ataxia-telangiectasia syndrome. Last evaluated: 2019-05-09. Review status: criteria provided, single submitter. Criteria: Invitae Variant Classification Sherloc (09022015). Collection method: clinical testing. Allele origin: germline.
Comment: This variant is a gross deletion of the genomic region encompassing exons 62-63 of the ATM gene. The 5' boundary is likely confined to intron 61. The 3' end of this event is unknown as it extends through the termination codon beyond the assayed region for this gene and may encompass additional genes. While this is not anticipated to result in nonsense mediated decay, it is expected to delete the last 106 amino acids of the ATM protein. Deletions encompassing exons 62-63 of ATM have been reported in several individuals with ataxia-telangiectasia, some of whom were homozygous for this variant (PMID: 9443866, 9792409,25614872). In addition, this variant has been observed in individuals with breast cancer (PMID: 25428789, 26681312). This variant is also known as a deletion of exons 64-65 in the literature. A missense change in exon 63 (p.Arg3008Cys) and a deletion encompassing exon 63 have been determined to be pathogenic (PMID: 9872980, 12552566, 23807571). This suggests that exon 63 is critical for ATM protein function. For these reasons, this deletion has been classified as Pathogenic.

Literature cited by the submitters: PubMed 12552566; PubMed 9443866; PubMed 25614872; PubMed 26681312; PubMed 23807571; PubMed 9872980; PubMed 25428789; PubMed 9792409.

NC_000011.10:g.(?_108365010)_(108365542_?)del

Gene: ATM (ATM serine/threonine kinase; plus strand). Cytogenetic location: 11q22.3.
Variant type: Deletion.
Identifiers: ClinVar variation 831355 (VCV000831355.1).